The following is an entry in ClinVar:

NM_152703.5(SAMD9L):c.2621A>C (p.Lys874Thr)

Gene: SAMD9L (sterile alpha motif domain containing 9 like; minus strand). Cytogenetic location: 7q21.2.
Variant type: single nucleotide variant.
Coding change: c.2621A>C on transcript NM_152703.5 (MANE Select); coding-DNA position 2621, A replaced by C.
Protein change: p.Lys874Thr; replaces lysine 874 with threonine.
Molecular consequence: missense variant.
Genome position (GRCh38, 1-based): chr7:93,133,351, T>G on the plus strand (A>C on the coding strand, the complement: SAMD9L is on the minus strand). VCF-style: chr7-93133351-T-G. GRCh37 (hg19) VCF-style: chr7-92762664-T-G.
Other names: c.2621A>C, p.Lys874Thr (NM_001303496.3, NM_001303497.3, NM_001303498.3 and 5 more transcripts); short protein forms K874T.
Identifiers: ClinVar variation 5028966 (VCV005028966.1).

ClinVar aggregate classification (germline): Uncertain significance (1 of 4 stars; one submission).

Conditions:
Inborn genetic diseases. Identifiers: MedGen C0950123, MeSH D030342.

Submission:

Ambry Genetics
Classification: Uncertain significance for Inborn genetic diseases. Last evaluated: 2026-08-23. Review status: criteria provided, single submitter. Criteria: Ambry Variant Classification Scheme 2023. Collection method: clinical testing. Allele origin: germline.
Comment: The p.K874T variant (also known as c.2621A>C), located in coding exon 1 of the SAMD9L gene, results from an A to C substitution at nucleotide position 2621. The lysine at codon 874 is replaced by threonine, an amino acid with similar properties. This amino acid position is conserved. In addition, this alteration is predicted to be tolerated by in silico analysis. Based on the available evidence, the clinical significance of this variant remains unclear.